The following is an entry in ClinVar:

ClinVar aggregate classification (germline): Uncertain significance. Review status: criteria provided, single submitter (1 of 4 stars). 2 submissions from 2 submitters: Uncertain significance (1). 1 of the submissions does not count toward it. Last evaluated 2023-05-30.

Conditions:
Developmental and epileptic encephalopathy, 69. Also called: EPILEPTIC ENCEPHALOPATHY, EARLY INFANTILE, 69. Identifiers: MedGen C4748988, MONDO:0032657, OMIM 618285.

Allele frequency attached by ClinVar (database versions not stated): gnomAD exomes below 0.00001; ExAC 0.00001.
gnomAD v4.1: 5 of 1,613,168 alleles (0.00031%); highest among the groups gnomAD compares: Non-Finnish European, 0.00042%; no homozygotes.

Submissions (2):

Labcorp Genetics (formerly Invitae), Labcorp
Classification: Uncertain significance. Last evaluated: 2023-05-30. Review status: criteria provided, single submitter. Criteria: Invitae Variant Classification Sherloc (09022015). Collection method: clinical testing. Allele origin: germline.
Comment: In summary, the available evidence is currently insufficient to determine the role of this variant in disease. Therefore, it has been classified as a Variant of Uncertain Significance. Advanced modeling of protein sequence and biophysical properties (such as structural, functional, and spatial information, amino acid conservation, physicochemical variation, residue mobility, and thermodynamic stability) performed at Invitae indicates that this missense variant is not expected to disrupt CACNA1E protein function. This variant has not been reported in the literature in individuals affected with CACNA1E-related conditions. This variant is present in population databases (rs771502205, gnomAD 0.002%). This sequence change replaces isoleucine, which is neutral and non-polar, with threonine, which is neutral and polar, at codon 1912 of the CACNA1E protein (p.Ile1912Thr).

Hong-Tao Li Lab, Institute of Brain Science and Brain-inspired Research, Shandong First Medical University & Shandong Academy of Medical Sciences China
Classification: Uncertain significance for Developmental and epileptic encephalopathy, 69. Review status: no assertion criteria provided. Collection method: research. Allele origin: germline. Inheritance: Autosomal dominant inheritance. Affected: yes. Observed: 1 variant allele, 1 heterozygote. Not counted in ClinVar's aggregate classification.
Comment: Observed in affected individuals from a Pakistani neurodevelopmental-disorder research cohort of 263 individuals. Classification assigned using the ACMG/AMP framework. Population-frequency evidence: gnomAD AF 8.06e-06.

NM_001205293.3(CACNA1E):c.5735T>C (p.Ile1912Thr)

Gene: CACNA1E (calcium voltage-gated channel subunit alpha1 E; plus strand). Cytogenetic location: 1q25.3.
Variant type: single nucleotide variant.
Coding change: c.5735T>C on transcript NM_001205293.3 (MANE Select); coding-DNA position 5735, T replaced by C.
Protein change: p.Ile1912Thr; replaces isoleucine 1912 with threonine.
Molecular consequence: missense variant.
Genome position (GRCh38, 1-based): chr1:181,785,768, T>C. VCF-style: chr1-181785768-T-C. GRCh37 (hg19) VCF-style: chr1-181754904-T-C.
Other names: c.5735T>C, p.Ile1912Thr (NM_000721.4); c.5678T>C, p.Ile1893Thr (NM_001205294.2); short protein forms I1893T, I1912T.
Identifiers: ClinVar variation 2872280 (VCV002872280.4), dbSNP rs771502205, ClinGen allele CA1276183.
Genomic context (GRCh38, chr1:181,785,768, plus strand): 5'-CCCAGAAAAATGCCCCCATGTTCCAGCGCATGGAGCCTTCATCTCTGCCTCAGGAGATCA[T>C]TGCTAATGCCAAAGCCCTGCCTTACCTCCAGCAGGACCCCGTTTCAGGCCTGTGAGTAGC-3'
Protein context (NP_001192222.1, residues 1902-1922): MEPSSLPQEI[Ile1912Thr]ANAKALPYLQ